The following is an entry in ClinVar:

ClinVar aggregate classification (germline): Pathogenic (0 of 4 stars; one submission).

Conditions:
Spinocerebellar ataxia type 10 (SCA10). Identifiers: Orphanet 98761, MedGen C1963674, MONDO:0011330, OMIM 603516.

Submission:

GeneReviews
Classification: Pathogenic for Spinocerebellar Ataxia Type10. Last evaluated: 2012-09-20. Review status: no assertion criteria provided. Collection method: curation. Allele origin: unknown.
ClinVar note: Converted during submission from pathologic to Pathogenic.

NM_013236.3(ATXN10):c.1173+54822_1173+54826ATTCT[850]

Genes: ATXN10 (ataxin 10; plus strand), LOC107181287 (origin of replication for ATXN10 repeat region; plus strand), LOC108660404 (ataxin 10 repeat instability region; plus strand). Cytogenetic location: 22q13.31.
Variant type: Microsatellite.
Coding change: c.1173+54822_1173+54826ATTCT[850] on transcript NM_013236.3.
Molecular consequence: intron variant (on NM_013236.4).
Genome position: GRCh38, VCF-style position (the base before the change): chr22:45,795,354. GRCh37 (hg19), VCF-style position (the base before the change): chr22:46,191,234.
Other names: c.982-11604ATTCT[850] (NM_001167621.2); c.1174-11604ATTCT[850] (NM_013236.4).
Identifiers: ClinVar variation 39006 (VCV000039006.3), ClinGen allele CA2580615332.